The following is an entry in ClinVar:

NM_017763.6(RNF43):c.1751G>A (p.Arg584Gln)

Gene: RNF43 (ring finger protein 43; minus strand). Cytogenetic location: 17q22.
Variant type: single nucleotide variant.
Coding change: c.1751G>A on transcript NM_017763.6 (MANE Select); coding-DNA position 1751, G replaced by A.
Protein change: p.Arg584Gln; replaces arginine 584 with glutamine.
Molecular consequence: missense variant.
Genome position (GRCh38, 1-based): chr17:58,358,025, C>T on the plus strand (G>A on the coding strand, the complement: RNF43 is on the minus strand). VCF-style: chr17-58358025-C-T. GRCh37 (hg19) VCF-style: chr17-56435386-C-T.
Other names: c.1751G>A, p.Arg584Gln (NM_001305544.3); c.1370G>A, p.Arg457Gln (NM_001305545.2); c.1751G>A (NM_017763.4); short protein forms R457Q, R584Q.
Identifiers: ClinVar variation 2678430 (VCV002678430.5), dbSNP rs372159496, ClinGen allele CA8673117.
Genomic context (GRCh38, chr17:58,358,025, plus strand): 5'-GCTGAGTTGGATCTGGTGACTTGCTGATCAGGAGAAGGTGGCTCTGGCTGGGGCTGTGTC[C>T]GAGGAATAGGAGGCCTGGACTGGGGGACTCCGGTTTCTGGGCCAGGCTTCCTGCCATGCC-3'
Protein context (NP_060233.3, residues 574-594): GVPQSRPPIP[Arg584Gln]TQPQPEPPSP

ClinVar aggregate classification (germline): Uncertain significance. Review status: criteria provided, multiple submitters, no conflicts (2 of 4 stars). 3 submissions from 3 submitters: Uncertain significance (3). Last evaluated 2024-11-23.

Conditions:
Sessile serrated polyposis cancer syndrome (SSPCS). Identifiers: Orphanet 157798, MedGen C4310714, MONDO:0014919, OMIM 617108.

Allele frequency attached by ClinVar (database versions not stated): ExAC 0.00002; TOPMed 0.00002; ESP Exome Variant Server 0.00008.
gnomAD v4.1: 24 of 1,592,028 alleles (0.0015%); highest among the groups gnomAD compares: African/African-American, 0.0081%; no homozygotes.

Submissions (3):

Ambry Genetics
Classification: Uncertain significance. Last evaluated: 2024-11-23. Review status: criteria provided, single submitter. Criteria: Ambry Variant Classification Scheme 2023. Collection method: clinical testing. Allele origin: germline.
Comment: The p.R584Q variant (also known as c.1751G>A), located in coding exon 8 of the RNF43 gene, results from a G to A substitution at nucleotide position 1751. The arginine at codon 584 is replaced by glutamine, an amino acid with highly similar properties. This amino acid position is conserved. In addition, this alteration is predicted to be tolerated by in silico analysis. Based on the available evidence, the clinical significance of this variant remains unclear.

Labcorp Genetics (formerly Invitae), Labcorp
Classification: Uncertain significance. Last evaluated: 2024-06-03. Review status: criteria provided, single submitter. Criteria: Invitae Variant Classification Sherloc (09022015). Collection method: clinical testing. Allele origin: germline.
Comment: This sequence change replaces arginine, which is basic and polar, with glutamine, which is neutral and polar, at codon 584 of the RNF43 protein (p.Arg584Gln). This variant is present in population databases (rs372159496, gnomAD 0.007%). This variant has not been reported in the literature in individuals affected with RNF43-related conditions. Algorithms developed to predict the effect of missense changes on protein structure and function output the following: SIFT: "Not Available"; PolyPhen-2: "Benign"; Align-GVGD: "Not Available". The glutamine amino acid residue is found in multiple mammalian species, which suggests that this missense change does not adversely affect protein function. In summary, the available evidence is currently insufficient to determine the role of this variant in disease. Therefore, it has been classified as a Variant of Uncertain Significance.

Baylor Genetics
Classification: Uncertain significance for Sessile serrated polyposis cancer syndrome. Last evaluated: 2022-11-14. Review status: criteria provided, single submitter. Criteria: ACMG Guidelines, 2015. Collection method: clinical testing. Allele origin: unknown.